The following is an entry in ClinVar:

ClinVar aggregate classification (germline): Pathogenic (1 of 4 stars; one submission).

Conditions:
Glycogen storage disease, type II (IOPD). Also called: Glucosidase acid-1,4-alpha deficiency; POMPE DISEASE, INFANTILE-ONSET; GLYCOGEN STORAGE DISEASE II, INFANTILE-ONSET; ACID ALPHA-GLUCOSIDASE DEFICIENCY, INFANTILE-ONSET; GAA DEFICIENCY, INFANTILE-ONSET; ACID MALTASE DEFICIENCY, INFANTILE-ONSET. Identifiers: Orphanet 365, MedGen C0017921, MONDO:0009290, OMIM 232300.

Submission:

Labcorp Genetics (formerly Invitae), Labcorp
Classification: Pathogenic for Glycogen storage disease, type II. Last evaluated: 2021-07-21. Review status: criteria provided, single submitter. Criteria: Invitae Variant Classification Sherloc (09022015). Collection method: clinical testing. Allele origin: germline.
Comment: For these reasons, this variant has been classified as Pathogenic. This premature translational stop signal has been observed in individual(s) with Pompe disease (PMID: 22252923, 31392188). This variant is not present in population databases (ExAC no frequency). This sequence change creates a premature translational stop signal (p.Asn177Profs*11) in the GAA gene. It is expected to result in an absent or disrupted protein product. Loss-of-function variants in GAA are known to be pathogenic (PMID: 18425781, 22252923).

Literature cited by the submitters: PubMed 22252923; PubMed 31392188; PubMed 18425781.

NM_000152.5(GAA):c.528_529del (p.Asn177fs)

Gene: GAA (alpha glucosidase; plus strand). Cytogenetic location: 17q25.3.
Variant type: Microsatellite.
Coding change: c.528_529del on transcript NM_000152.5 (MANE Select); coding-DNA positions 528 to 529, 2 bases deleted (GA; older notation c.528_529delGA).
Protein change: p.Asn177fs; shifts the reading frame from asparagine 177.
Molecular consequence: frameshift variant.
Genome position (GRCh38, 1-based): chr17:80,105,114-80,105,115, GA deleted; deleting any 2 consecutive bases within chr17:80,105,112-80,105,115 gives the same sequence; the c. name uses the placement nearest the transcript's 3' end. VCF-style (leftmost placement, unchanged base first): chr17-80105111-TGA-T. GRCh37 (hg19) VCF-style: chr17-78078910-TGA-T.
Other names: c.528_529del, p.Asn177fs (NM_001079803.3, NM_001079804.3); short protein forms N177fs.
Identifiers: ClinVar variation 1350194 (VCV001350194.6), dbSNP rs2143829649, ClinGen allele CA2580612685.